The following is an entry in ClinVar:

ClinVar aggregate classification (germline): Benign. Review status: criteria provided, multiple submitters, no conflicts (2 of 4 stars). 2 submissions from 2 submitters: Benign (2). Last evaluated 2018-06-16.

Allele frequency attached by ClinVar (database versions not stated): gnomAD 0.16394 and 0.17988; TOPMed 0.17027; 1000 Genomes Project 30x 0.28217; 1000 Genomes Project 0.29073.
gnomAD v4.1: 249,521 of 1,306,788 alleles (19%); highest among the groups gnomAD compares: East Asian, 51%; 29,009 homozygotes.

Submissions (2):

GeneDx
Classification: Benign. Last evaluated: 2018-06-16. Review status: criteria provided, single submitter. Criteria: GeneDx Variant Classification (06012015). Collection method: clinical testing. Allele origin: germline. Affected: yes.
Comment: This variant is considered likely benign or benign based on one or more of the following criteria: it is a conservative change, it occurs at a poorly conserved position in the protein, it is predicted to be benign by multiple in silico algorithms, and/or has population frequency not consistent with disease.

Breakthrough Genomics
Classification: Benign. Review status: criteria provided, single submitter. Criteria: ACMG Guidelines, 2015. Collection method: not provided. Allele origin: germline. Inheritance: Autosomal recessive inheritance. Affected: yes.

NM_006612.6(KIF1C):c.2628+122C>T

Gene: KIF1C (kinesin family member 1C; plus strand). Cytogenetic location: 17p13.2.
Variant type: single nucleotide variant.
Coding change: c.2628+122C>T on transcript NM_006612.6 (MANE Select); 122 bases into the intron after coding-DNA position 2628, C replaced by T.
Molecular consequence: intron variant.
Genome position (GRCh38, 1-based): chr17:5,022,831, C>T. VCF-style: chr17-5022831-C-T. GRCh37 (hg19) VCF-style: chr17-4926126-C-T.
Identifiers: ClinVar variation 682851 (VCV000682851.2), dbSNP rs35748479, ClinGen allele CA14501369.
Genomic context (GRCh38, chr17:5,022,831, plus strand): 5'-CCTTCCATCTCAGAGCCTAACCTTCCCCAAGTCTGGAAAAAATTGCATTGAAGTATAGTA[C>T]GTTTTTTTCAATATTGTTTACGAACCACATGCCTCGCTGTCACCAGGCTGCTAATTAAAA-3'